The following is an entry in ClinVar:

NM_007294.4(BRCA1):c.1160delinsTG (p.Ser387fs)

Gene: BRCA1 (BRCA1 DNA repair associated; minus strand). Cytogenetic location: 17q21.31.
Variant type: Indel.
Coding change: c.1160delinsTG on transcript NM_007294.4 (MANE Select); coding-DNA position 1160, C replaced by TG.
Protein change: p.Ser387fs; shifts the reading frame from serine 387.
Molecular consequence: frameshift variant. On other transcripts: intron variant (137).
Genome position (GRCh38, 1-based): chr17:43,094,371, G replaced by CA on the plus strand (C replaced by TG on the coding strand, the reverse complement: BRCA1 is on the minus strand). VCF-style: chr17-43094371-G-CA. GRCh37 (hg19) VCF-style: chr17-41246388-G-CA.
Other names: c.947delinsTG, p.Ser316fs (NM_001407571.1, NM_001407894.1, NM_001407895.1 and 9 more transcripts); c.1160delinsTG, p.Ser387fs (NM_001407581.1, NM_001407582.1, NM_001407583.1 and 30 more transcripts); c.1157delinsTG, p.Ser386fs (NM_001407587.1, NM_001407590.1, NM_001407591.1 and 22 more transcripts); c.950delinsTG, p.Ser317fs (NM_001407887.1, NM_001407889.1, NM_001407900.1 and 13 more transcripts); c.893delinsTG, p.Ser298fs (NM_001407931.1, NM_001407932.1, NM_001407934.1 and 2 more transcripts); c.896delinsTG, p.Ser299fs (NM_001407933.1, NM_001407935.1, NM_001407923.1 and 9 more transcripts); c.1037delinsTG, p.Ser346fs (NM_001407937.1, NM_001407938.1, NM_001407939.1 and 19 more transcripts); c.1034delinsTG, p.Ser345fs (NM_001407940.1, NM_001407941.1, NM_001407649.1 and 11 more transcripts); and 40 more; short protein forms S219fs, S259fs, S260fs, S275fs, S276fs, S298fs, S299fs, S316fs.
Identifiers: ClinVar variation 3904716 (VCV003904716.1).
Genomic context (GRCh38, chr17:43,094,371, plus strand): 5'-GCATTTGATTCAGACTCCCCATCATGTGAGTCATCAGAACCTAACAGTTCATCACTTCTG[G>CA]AAAACCACTCATTAACTTTCTGAATGCTGCTATTTAGTGTTATCCAAGGAACATCTTCAG-3'

ClinVar aggregate classification (germline): Pathogenic (1 of 4 stars; one submission).

Conditions:
Breast-ovarian cancer, familial, susceptibility to, 1 (BROVCA1). Also called: BRCA1 Hereditary Breast and Ovarian Cancer; OVARIAN CANCER, SUSCEPTIBILITY TO. Identifiers: Orphanet 145, MedGen C2676676, MONDO:0011450, OMIM 604370. Disease mechanism: loss of function.

Submission:

Myriad Genetics, Inc.
Classification: Pathogenic for Breast-ovarian cancer, familial, susceptibility to, 1. Last evaluated: 2025-02-04. Review status: criteria provided, single submitter. Criteria: Myriad Autosomal Dominant, Autosomal Recessive and X-Linked Classification Criteria (2023). Collection method: clinical testing. Allele origin: unknown.
Comment: This variant is considered pathogenic. This variant creates a frameshift predicted to result in premature protein truncation.